The following is an entry in ClinVar:

ClinVar aggregate classification (germline): Benign/Likely benign. Review status: criteria provided, multiple submitters, no conflicts (2 of 4 stars). 7 submissions from 7 submitters: Benign (4); Likely benign (3). Last evaluated 2026-01-14.

Conditions:
Familial thoracic aortic aneurysm and aortic dissection (TAAD). Also called: Thoracic aortic aneurysms and dissections. Identifiers: Orphanet 91387, MedGen C4707243, MONDO:0019625.
Ehlers-Danlos syndrome, type 4 (EDSVASC). Also called: Ehlers-Danlos syndrome vascular type; Ehlers Danlos syndrome, ecchymotic type; Ehlers Danlos syndrome, arterial type; Ehlers Danlos syndrome, Sack-Barabas type; Ehlers-Danlos Syndrome Type IV. Identifiers: Orphanet 286, MedGen C0268338, MONDO:0017314, OMIM 130050.

Allele frequency attached by ClinVar (database versions not stated): gnomAD exomes 0.00013 and 0.00034; ExAC 0.00091; 1000 Genomes Project 30x 0.00094; 1000 Genomes Project 0.00100; gnomAD 0.00135 and 0.00146; TOPMed 0.00147; ESP Exome Variant Server 0.00162.
gnomAD v4.1: 390 of 1,589,350 alleles (0.025%); highest among the groups gnomAD compares: African/African-American, 0.49%; no homozygotes.

Submissions (7):

Labcorp Genetics (formerly Invitae), Labcorp
Classification: Benign for Ehlers-Danlos syndrome, type 4. Last evaluated: 2026-01-14. Review status: criteria provided, single submitter. Criteria: Invitae Variant Classification Sherloc (09022015). Collection method: clinical testing. Allele origin: germline.

CHEO Genetics Diagnostic Laboratory, Children's Hospital of Eastern Ontario
Classification: Benign for Familial thoracic aortic aneurysm and aortic dissection. Last evaluated: 2021-12-30. Review status: criteria provided, single submitter. Criteria: ACMG Guidelines, 2015. Collection method: clinical testing. Allele origin: germline.

GeneDx
Classification: Likely benign. Last evaluated: 2021-08-04. Review status: criteria provided, single submitter. Criteria: GeneDx Variant Classification Process June 2021. Collection method: clinical testing. Allele origin: germline. Affected: yes.

ARUP Laboratories, Molecular Genetics and Genomics, ARUP Laboratories
Classification: Likely benign. Last evaluated: 2021-01-29. Review status: criteria provided, single submitter. Criteria: ARUP Molecular Germline Variant Investigation Process 2021. Collection method: clinical testing. Allele origin: germline.

Color Diagnostics, LLC DBA Color Health
Classification: Benign for Familial thoracic aortic aneurysm and aortic dissection. Last evaluated: 2018-11-16. Review status: criteria provided, single submitter. Criteria: ACMG Guidelines, 2015. Collection method: clinical testing. Allele origin: germline.

Ambry Genetics
Classification: Likely benign for Familial thoracic aortic aneurysm and aortic dissection. Last evaluated: 2018-03-19. Review status: criteria provided, single submitter. Criteria: Ambry Variant Classification Scheme 2023. Collection method: clinical testing. Allele origin: germline.

Women's Health and Genetics/Laboratory Corporation of America, LabCorp
Classification: Benign. Last evaluated: 2016-08-22. Review status: criteria provided, single submitter. Criteria: LabCorp Variant Classification Summary - May 2015. Collection method: clinical testing. Allele origin: germline.
Comment: Variant summary: The COL3A1 c.2056C>G (p.Pro686Ala) variant causes a missense change involving a non-conserved nucleotide with 2/3 in silico tools (SNPs&GO and MutationTaster not captured here due to low relability index and p-value, respectively) predict a "benign" outcome, although these predictions have yet to be functionally assessed. The variant of interest was observed in the large, broad control population, ExAC, with an allele frequency of 33/36436 (1/1104), predominantly in the African cohort, 33/3964 (1/120), which significantly exceeds the estimated maximal expected allele frequency for a pathogenic COL3A1 variant of 1/769230. Therefore, suggesting the variant of interest is a common polymorphism found in population(s) of African origin. The variant of interest, to our knowledge, has not been reported in affected individuals via publications, while one reputable clinical laboratory cites the variant as "likely benign." Therefore, the variant of interest has been classified as Benign.

NM_000090.4(COL3A1):c.2056C>G (p.Pro686Ala)

Gene: COL3A1 (collagen type III alpha 1 chain; plus strand). Cytogenetic location: 2q32.2.
Variant type: single nucleotide variant.
Coding change: c.2056C>G on transcript NM_000090.4 (MANE Select); coding-DNA position 2056, C replaced by G.
Protein change: p.Pro686Ala; replaces proline 686 with alanine.
Molecular consequence: missense variant.
Genome position (GRCh38, 1-based): chr2:188,999,318, C>G. VCF-style: chr2-188999318-C-G. GRCh37 (hg19) VCF-style: chr2-189864044-C-G.
Other names: p.P686A:CCT>GCT; short protein forms P686A.
Identifiers: ClinVar variation 199698 (VCV000199698.29), dbSNP rs41263775, ClinGen allele CA004938.